The following is an entry in ClinVar:

ClinVar aggregate classification (germline): Benign/Likely benign. Review status: criteria provided, multiple submitters, no conflicts (2 of 4 stars). 5 submissions from 5 submitters: Benign (2); Likely benign (3). Last evaluated 2026-02-01.

Conditions:
Cutis laxa, autosomal recessive, type 1B (ARCL1B). Also called: CUTIS LAXA, AUTOSOMAL RECESSIVE, TYPE IB; EFEMP2-Related Cutis Laxa. Identifiers: Orphanet 90349, MedGen C3280798, MONDO:0013754, OMIM 614437. Disease mechanism: loss of function.

Allele frequency attached by ClinVar (database versions not stated): gnomAD exomes 0.00037 and 0.00083; ExAC 0.00106; gnomAD 0.00313 and 0.00337; TOPMed 0.00345; ESP Exome Variant Server 0.00346; 1000 Genomes Project 30x 0.00375; 1000 Genomes Project 0.00399.
gnomAD v4.1: 1,058 of 1,613,900 alleles (0.066%); highest among the groups gnomAD compares: African/African-American, 1.1%; 8 homozygotes.

Submissions (5):

Labcorp Genetics (formerly Invitae), Labcorp
Classification: Benign for Cutis laxa, autosomal recessive, type 1B. Last evaluated: 2026-02-01. Review status: criteria provided, single submitter. Criteria: Invitae Variant Classification Sherloc (09022015). Collection method: clinical testing. Allele origin: germline.

Blueprint Genetics
Classification: Likely benign. Last evaluated: 2024-10-09. Review status: criteria provided, single submitter. Criteria: ACMG Guidelines, 2015. Collection method: clinical testing. Allele origin: germline.

Women's Health and Genetics/Laboratory Corporation of America, LabCorp
Classification: Benign. Last evaluated: 2023-11-06. Review status: criteria provided, single submitter. Criteria: LabCorp Variant Classification Summary - May 2015. Collection method: clinical testing. Allele origin: germline.
Comment: Variant summary: EFEMP2 c.368-18G>A alters a nucleotide located at a position not widely known to affect splicing. Consensus agreement among computation tools predict no significant impact on normal splicing. However, these predictions have yet to be confirmed by functional studies. The variant allele was found at a frequency of 0.00083 in 250412 control chromosomes, predominantly at a frequency of 0.01 within the African or African-American subpopulation in the gnomAD database. The observed variant frequency within African or African-American control individuals in the gnomAD database is approximately 14 fold of the estimated maximal expected allele frequency for a pathogenic variant in EFEMP2 causing Autosomal Recessive Cutis Laxa phenotype (0.00071), strongly suggesting that the variant is a benign polymorphism found primarily in populations of African or African-American origin. To our knowledge, no occurrence of c.368-18G>A in individuals affected with Autosomal Recessive Cutis Laxa and no experimental evidence demonstrating its impact on protein function have been reported. Two submitters have cited clinical-significance assessments for this variant to ClinVar after 2014. All submitters classified the variant as benign/likely benign. Based on the evidence outlined above, the variant was classified as benign.

GeneDx
Classification: Likely benign. Last evaluated: 2017-10-20. Review status: criteria provided, single submitter. Criteria: GeneDx Variant Classification (06012015). Collection method: clinical testing. Allele origin: germline. Affected: yes.
Comment: This variant is considered likely benign or benign based on one or more of the following criteria: it is a conservative change, it occurs at a poorly conserved position in the protein, it is predicted to be benign by multiple in silico algorithms, and/or has population frequency not consistent with disease.

Breakthrough Genomics
Classification: Likely benign. Review status: criteria provided, single submitter. Criteria: ACMG Guidelines, 2015. Collection method: not provided. Allele origin: germline. Inheritance: Autosomal recessive inheritance. Affected: yes.

NM_016938.5(EFEMP2):c.368-18G>A

Gene: EFEMP2 (EGF-like fibulin extracellular matrix protein 2; minus strand). Cytogenetic location: 11q13.1.
Variant type: single nucleotide variant.
Coding change: c.368-18G>A on transcript NM_016938.5 (MANE Select); 18 bases into the intron before coding-DNA position 368, G replaced by A.
Molecular consequence: intron variant.
Genome position (GRCh38, 1-based): chr11:65,870,676, C>T on the plus strand (G>A on the coding strand, the complement: EFEMP2 is on the minus strand). VCF-style: chr11-65870676-C-T. GRCh37 (hg19) VCF-style: chr11-65638147-C-T.
Identifiers: ClinVar variation 392343 (VCV000392343.13), dbSNP rs80047413, ClinGen allele CA6110688.
Genomic context (GRCh38, chr11:65,870,676, plus strand): 5'-CTGGGGCGACAGTCGTGCAGGGCCTGGGCACACTCGTCCACATCTGCGAGAGACACCACT[C>T]AGCCCCTGCCTGGGATCCCGCACACCACCCAACATGACAGATAGTTCCAACACTTGTATT-3'